The following is an entry in ClinVar:

ClinVar aggregate classification (germline): Likely benign (0 of 4 stars; one submission).

Conditions:
FSIP2-related disorder. Also called: FSIP2-related condition.

Allele frequency attached by ClinVar (database versions not stated): ExAC 0.00007; 1000 Genomes Project 30x 0.00031; 1000 Genomes Project 0.00040; TOPMed 0.00049; gnomAD 0.00052.

Submission:

PreventionGenetics, part of Exact Sciences
Classification: Likely benign for FSIP2-related condition. Last evaluated: 2019-05-28. Review status: no assertion criteria provided. Collection method: clinical testing. Allele origin: germline.
Comment: This variant is classified as likely benign based on ACMG/AMP sequence variant interpretation guidelines (Richards et al. 2015 PMID: 25741868, with internal and published modifications).

NM_173651.4(FSIP2):c.10710T>C (p.Asn3570=)

Genes: FSIP2 (fibrous sheath interacting protein 2; plus strand), FSIP2-AS1 (FSIP2 antisense RNA 1; minus strand). Cytogenetic location: 2q32.1.
Variant type: single nucleotide variant.
Coding change: c.10710T>C on transcript NM_173651.4 (MANE Select); coding-DNA position 10710, T replaced by C.
Protein change: p.Asn3570=; no amino-acid change (asparagine 3570 retained).
Molecular consequence: synonymous variant.
Genome position (GRCh38, 1-based): chr2:185,800,016, T>C. VCF-style: chr2-185800016-T-C. GRCh37 (hg19) VCF-style: chr2-186664743-T-C.
Identifiers: ClinVar variation 3038725 (VCV003038725.2), dbSNP rs184473799, ClinGen allele CA2016924.